The following is an entry in ClinVar:

ClinVar aggregate classification (germline): Likely pathogenic (1 of 4 stars; one submission).

Conditions:
Oculovertebral syndrome. Identifiers: MedGen C6065896, MONDO:0979866, OMIM 621277.

Submission:

MVZ Praenatalmedizin und Genetik Nuernberg
Classification: Likely pathogenic for Oculovertebral syndrome. Last evaluated: 2026-06-11. Review status: criteria provided, single submitter. Criteria: ACMG Guidelines, 2015. Collection method: clinical testing. Allele origin: de novo. Affected: yes.
Comment: This very rare variant (gnomAD v4: 0 alleles) results in a frameshift in exon 1 of 10, leading to a premature stop codon and is therefore considered likely pathogenic due to loss-of-function. The variant is not listed in ClinVar. However downstream loss-of-function variants in this gene have been classified as likely pathogenic or pathogenic. A review of the literature did not yield any additional relevant information. In summary, based on the current data, we assess this to be a likely pathogenic variant.

Literature cited by the submitters: PubMed 41733738; PubMed 40774958.

NM_033334.4(NR6A1):c.80_96dup (p.Asn33fs)

Gene: NR6A1 (nuclear receptor subfamily 6 group A member 1; minus strand). Cytogenetic location: 9q33.3.
Variant type: Duplication.
Coding change: c.80_96dup on transcript NM_033334.4 (MANE Select); coding-DNA positions 80 to 96, 17 bases duplicated (TCCCTCCGCCGCCGCGC).
Protein change: p.Asn33fs; shifts the reading frame from asparagine 33.
Molecular consequence: frameshift variant.
Genome position (GRCh38, 1-based): chr9:124,771,024-124,771,040, GCGCGGCGGCGGAGGGA duplicated on the plus strand (TCCCTCCGCCGCCGCGC on the coding strand, the reverse complement: NR6A1 is on the minus strand); duplicating any 17 consecutive bases within chr9:124,771,024-124,771,049 gives the same sequence; the c. name uses the placement nearest the transcript's 3' end. VCF-style (leftmost placement, unchanged base first): chr9-124771023-T-TGCGCGGCGGCGGAGGGA. GRCh37 (hg19) VCF-style: chr9-127533302-T-TGCGCGGCGGCGGAGGGA.
Other names: c.80_96dup, p.Asn33fs (NM_001278546.2, NM_001410996.1, NM_001489.5); short protein forms N33fs.
Identifiers: ClinVar variation 4888432 (VCV004888432.1).
Genomic context (GRCh38, chr9:124,771,023, plus strand): 5'-CGGAGGCTCAGGAAGCCGGTTCCTGCCTGGCCCGGGCGTCGCAGGCCCCTCACCCACCGT[T>TGCGCGGCGGCGGAGGGA]GCGCGGCGGCGGAGGGAGCGCGGCGGGAGGCTCCAGGAACCCCGCCGAGCCCCCGCCGCC-3'